The following is an entry in ClinVar:

NM_001167.4(XIAP):c.*579G>A

Gene: XIAP (X-linked inhibitor of apoptosis; plus strand). Cytogenetic location: Xq25.
Variant type: single nucleotide variant.
Coding change: c.*579G>A on transcript NM_001167.4 (MANE Select); 579 bases downstream of the stop codon, G replaced by A.
Molecular consequence: 3 prime UTR variant. On other transcripts: non-coding transcript variant (2).
Genome position (GRCh38, 1-based): chrX:123,907,760, G>A. VCF-style: chrX-123907760-G-A. GRCh37 (hg19) VCF-style: chrX-123041610-G-A.
Other names: c.*579G>A (NM_001204401.2, NM_001378590.1, NM_001378591.1 and 1 more transcripts).
Identifiers: ClinVar variation 367800 (VCV000367800.5), dbSNP rs758981602, ClinGen allele CA10508228.

ClinVar aggregate classification (germline): Benign (1 of 4 stars; one submission).

Conditions:
X-linked lymphoproliferative disease due to XIAP deficiency. Also called: XIAP DEFICIENCY; XIAP-Related Lymphoproliferative Disease, X-Linked. Identifiers: Orphanet 2442, Orphanet 538934, MedGen C1845076, MONDO:0010385, OMIM 300635.

Allele frequency attached by ClinVar (database versions not stated): gnomAD below 0.00001 and 0.00007; TOPMed 0.00001; gnomAD exomes 0.00032; 1000 Genomes Project 30x 0.00042; 1000 Genomes Project 0.00053; ExAC 0.00183.
gnomAD v4.1: 89 of 377,192 alleles (0.024%); highest among the groups gnomAD compares: South Asian, 0.23%; no homozygotes.

Submission:

Illumina Laboratory Services, Illumina
Classification: Benign for X-linked lymphoproliferative disease due to XIAP deficiency. Last evaluated: 2018-01-13. Review status: criteria provided, single submitter. Criteria: ICSL Variant Classification Criteria 13 December 2019. Collection method: clinical testing. Allele origin: germline.
Comment: This variant was observed in the ICSL laboratory as part of a predisposition screen in an ostensibly healthy population. It had not been previously curated by ICSL or reported in the Human Gene Mutation Database (HGMD: prior to June 1st, 2018), and was therefore a candidate for classification through an automated scoring system. Utilizing variant allele frequency, disease prevalence and penetrance estimates, and inheritance mode, an automated score was calculated to assess if this variant is too frequent to cause the disease. Based on the score and internal cut-off values, a variant classified as benign is not then subjected to further curation. The score for this variant resulted in a classification of benign for this disease.